The following is an entry in ClinVar:

ClinVar aggregate classification (germline): Uncertain significance. Review status: criteria provided, multiple submitters, no conflicts (2 of 4 stars). 2 submissions from 2 submitters: Uncertain significance (2). Last evaluated 2025-08-22.

Conditions:
Distal myopathy with posterior leg and anterior hand involvement. Also called: WILLIAMS DISTAL MYOPATHY. Identifiers: Orphanet 63273, MedGen C3279722, MONDO:0013550, OMIM 614065.
Myofibrillar myopathy 5. Also called: Filaminopathy (type); FILAMINOPATHY, AUTOSOMAL DOMINANT. Identifiers: Orphanet 171445, MedGen C1836050, MONDO:0012289, OMIM 609524.
Hypertrophic cardiomyopathy 26. Also called: Cardiomyopathy, familial hypertrophic, 26. Identifiers: Orphanet 75249, MedGen C4310749, MONDO:0014883, OMIM 617047.

Submissions (2):

Labcorp Genetics (formerly Invitae), Labcorp
Classification: Uncertain significance for Distal myopathy with posterior leg and anterior hand involvement; Myofibrillar myopathy 5; Hypertrophic cardiomyopathy 26. Last evaluated: 2025-08-22. Review status: criteria provided, single submitter. Criteria: Invitae Variant Classification Sherloc (09022015). Collection method: clinical testing. Allele origin: germline.
Comment: This sequence change falls in intron 44 of the FLNC gene. It does not directly change the encoded amino acid sequence of the FLNC protein. It affects a nucleotide within the consensus splice site. This variant is not present in population databases (gnomAD no frequency). This variant has not been reported in the literature in individuals affected with FLNC-related conditions. ClinVar contains an entry for this variant (Variation ID: 2941028). Variants that disrupt the consensus splice site are a relatively common cause of aberrant splicing (PMID: 17576681, 9536098). Algorithms developed to predict the effect of sequence changes on RNA splicing suggest that this variant is not likely to affect RNA splicing. In summary, the available evidence is currently insufficient to determine the role of this variant in disease. Therefore, it has been classified as a Variant of Uncertain Significance.

Blueprint Genetics
Classification: Uncertain significance. Last evaluated: 2022-04-22. Review status: criteria provided, single submitter. Criteria: ACMG Guidelines, 2015. Collection method: clinical testing. Allele origin: germline.

Literature cited by the submitters: PubMed 17576681 (cited by Labcorp Genetics (formerly Invitae), Labcorp); PubMed 9536098 (cited by Labcorp Genetics (formerly Invitae), Labcorp).

NM_001458.5(FLNC):c.7385-3C>A

Genes: FLNC-AS1 (FLNC antisense RNA 1; minus strand), FLNC (filamin C; plus strand). Cytogenetic location: 7q32.1.
Variant type: single nucleotide variant.
Coding change: c.7385-3C>A on transcript NM_001458.5 (MANE Select); 3 bases into the intron before coding-DNA position 7385, C replaced by A.
Molecular consequence: intron variant.
Genome position (GRCh38, 1-based): chr7:128,856,742, C>A. VCF-style: chr7-128856742-C-A. GRCh37 (hg19) VCF-style: chr7-128496796-C-A.
Other names: c.7286-3C>A (NM_001127487.2).
Identifiers: ClinVar variation 2941028 (VCV002941028.4), dbSNP rs113514797, ClinGen allele CA2740094862.